The following is an entry in ClinVar:

ClinVar aggregate classification (germline): Uncertain significance (1 of 4 stars; one submission).

Conditions:
Gastrointestinal stromal tumor. Also called: Gastrointestinal stromal tumor, somatic; Gastrointestinal stroma tumor. Identifiers: Orphanet 44890, MedGen C0238198, MeSH D046152, MONDO:0011719, OMIM 606764, HP:0100723.

Submission:

Labcorp Genetics (formerly Invitae), Labcorp
Classification: Uncertain significance for Gastrointestinal stromal tumor. Last evaluated: 2018-04-07. Review status: criteria provided, single submitter. Criteria: Invitae Variant Classification Sherloc (09022015). Collection method: clinical testing. Allele origin: germline.
Comment: This sequence change replaces methionine with lysine at codon 1072 of the PDGFRA protein (p.Met1072Lys). The methionine residue is moderately conserved and there is a moderate physicochemical difference between methionine and lysine. In summary, the available evidence is currently insufficient to determine the role of this variant in disease. Therefore, it has been classified as a Variant of Uncertain Significance. Algorithms developed to predict the effect of missense changes on protein structure and function do not agree on the potential impact of this missense change (SIFT: "Deleterious"; PolyPhen-2: "Benign"; Align-GVGD: "Class C0"). This variant has not been reported in the literature in individuals with PDGFRA-related disease. This variant is not present in population databases (ExAC no frequency).

NM_006206.6(PDGFRA):c.3215T>A (p.Met1072Lys)

Gene: PDGFRA (platelet derived growth factor receptor alpha; plus strand). Cytogenetic location: 4q12.
Variant type: single nucleotide variant.
Coding change: c.3215T>A on transcript NM_006206.6 (MANE Select); coding-DNA position 3215, T replaced by A.
Protein change: p.Met1072Lys; replaces methionine 1072 with lysine.
Molecular consequence: missense variant.
Genome position (GRCh38, 1-based): chr4:54,295,217, T>A. VCF-style: chr4-54295217-T-A. GRCh37 (hg19) VCF-style: chr4-55161384-T-A.
Other names: c.3290T>A, p.Met1097Lys (NM_001347828.2); c.3215T>A, p.Met1072Lys (NM_001347829.2); c.3254T>A, p.Met1085Lys (NM_001347830.2); short protein forms M1072K, M1097K, M1085K.
Identifiers: ClinVar variation 577222 (VCV000577222.9), dbSNP rs1560496089, ClinGen allele CA356896646.